The following is an entry in ClinVar:

NM_000083.3(CLCN1):c.921_932del (p.Ala308_Phe311del)

Gene: CLCN1 (chloride voltage-gated channel 1; plus strand). Cytogenetic location: 7q34.
Variant type: Deletion.
Coding change: c.921_932del on transcript NM_000083.3 (MANE Select); coding-DNA positions 921 to 932, 12 bases deleted (TGCAGCCACGTT).
Protein change: p.Ala308_Phe311del.
Molecular consequence: inframe deletion. On other transcripts: non-coding transcript variant (1).
Genome position (GRCh38, 1-based): chr7:143,330,839-143,330,850, TGCAGCCACGTT deleted; deleting any 12 consecutive bases within chr7:143,330,837-143,330,850 gives the same sequence; the c. name uses the placement nearest the transcript's 3' end. VCF-style (leftmost placement, unchanged base first): chr7-143330836-CTTTGCAGCCACG-C. GRCh37 (hg19) VCF-style: chr7-143027929-CTTTGCAGCCACG-C.
Identifiers: ClinVar variation 447076 (VCV000447076.12), dbSNP rs766116662, ClinGen allele CA4537177.
Genomic context (GRCh38, chr7:143,330,836, plus strand): 5'-GCTATTTAGCATCGAGGTCACCTCCACCTACTTTGCTGTTCGGAACTACTGGAGAGGATT[CTTTGCAGCCACG>C]TTCAGCGCCTTTGTGTTTCGAGTGCTGGCAGTGTGGAACAAGGATGCTGGTAACCAAGGA-3'

ClinVar aggregate classification (germline): Conflicting classifications of pathogenicity. Review status: criteria provided, conflicting classifications (1 of 4 stars). 3 submissions from 3 submitters: Likely pathogenic (1); Uncertain significance (2). Last evaluated 2024-04-07.

Conditions:
Congenital myotonia, autosomal recessive form. Also called: myotonia congenita, autosomal recessive; BECKER DISEASE; Becker Generalized Myotonia. Identifiers: Orphanet 614, MedGen C0751360, MONDO:0009715, OMIM 255700.
Congenital myotonia, autosomal dominant form (THD). Also called: THOMSEN DISEASE; Myotonia congenita autosomal dominant. Identifiers: Orphanet 614, MedGen C2936781, MONDO:0008055, OMIM 160800.

Submissions (3):

Labcorp Genetics (formerly Invitae), Labcorp
Classification: Likely pathogenic for Congenital myotonia, autosomal recessive form; Congenital myotonia, autosomal dominant form. Last evaluated: 2024-04-07. Review status: criteria provided, single submitter. Criteria: Invitae Variant Classification Sherloc (09022015). Collection method: clinical testing. Allele origin: germline.
Comment: This variant, c.921_932del, results in the deletion of 4 amino acid(s) of the CLCN1 protein (p.Ala308_Phe311del), but otherwise preserves the integrity of the reading frame. This variant is present in population databases (rs766116662, gnomAD 0.006%). This variant has been observed in individual(s) with clinical features of autosomal recessive myotonia congenita (Invitae). In at least one individual the data is consistent with being in trans (on the opposite chromosome) from a pathogenic variant. ClinVar contains an entry for this variant (Variation ID: 447076). In summary, the currently available evidence indicates that the variant is pathogenic, but additional data are needed to prove that conclusively. Therefore, this variant has been classified as Likely Pathogenic.

Revvity Omics, Revvity
Classification: Uncertain significance. Last evaluated: 2024-02-13. Review status: criteria provided, single submitter. Criteria: ACMG Guidelines, 2015. Collection method: clinical testing. Allele origin: germline.

Athena Diagnostics
Classification: Uncertain significance. Last evaluated: 2017-06-13. Review status: criteria provided, single submitter. Criteria: Athena Diagnostics Criteria. Collection method: clinical testing. Allele origin: germline.